The following is an entry in ClinVar:

ClinVar aggregate classification (germline): Conflicting classifications of pathogenicity. Review status: criteria provided, conflicting classifications (1 of 4 stars). 5 submissions from 5 submitters: Uncertain significance (2); Likely benign (2). 1 of the submissions does not count toward it. Last evaluated 2026-01-19.

Conditions:
Inborn genetic diseases. Identifiers: MedGen C0950123, MeSH D030342.
Bartter disease type 1. Also called: HYPERPROSTAGLANDIN E SYNDROME 1; HYPOKALEMIC ALKALOSIS WITH HYPERCALCIURIA 1, ANTENATAL; Bartter syndrome, type 1, antenatal; Bartter Syndrome type 1. Identifiers: Orphanet 112, Orphanet 620217, MedGen C1866495, MONDO:0100344, OMIM 601678, MONDO:0011127.
SLC12A1-related disorder. Also called: SLC12A1-related condition.

Allele frequency attached by ClinVar (database versions not stated): gnomAD 0.00006 and 0.00011; gnomAD exomes 0.00006 and 0.00014; ExAC 0.00011; TOPMed 0.00015; 1000 Genomes Project 30x 0.00047; 1000 Genomes Project 0.00060.
gnomAD v4.1: 100 of 1,613,542 alleles (0.0062%); highest among the groups gnomAD compares: East Asian, 0.21%; no homozygotes.

Submissions (5):

Labcorp Genetics (formerly Invitae), Labcorp
Classification: Likely benign. Last evaluated: 2026-01-19. Review status: criteria provided, single submitter. Criteria: Invitae Variant Classification Sherloc (09022015). Collection method: clinical testing. Allele origin: germline.

Fulgent Genetics
Classification: Uncertain significance for Bartter disease type 1. Last evaluated: 2024-05-17. Review status: criteria provided, single submitter. Criteria: ACMG Guidelines, 2015. Collection method: clinical testing. Allele origin: germline.

Ambry Genetics
Classification: Likely benign for Inborn genetic diseases. Last evaluated: 2023-12-27. Review status: criteria provided, single submitter. Criteria: Ambry Variant Classification Scheme 2023. Collection method: clinical testing. Allele origin: germline.

Illumina Laboratory Services, Illumina
Classification: Uncertain significance for Bartter disease type 1. Last evaluated: 2018-01-13. Review status: criteria provided, single submitter. Criteria: ICSL Variant Classification Criteria 13 December 2019. Collection method: clinical testing. Allele origin: germline.

PreventionGenetics, part of Exact Sciences
Classification: Likely benign for SLC12A1-related condition. Last evaluated: 2020-03-12. Review status: no assertion criteria provided. Collection method: clinical testing. Allele origin: germline. Not counted in ClinVar's aggregate classification.
Comment: This variant is classified as likely benign based on ACMG/AMP sequence variant interpretation guidelines (Richards et al. 2015 PMID: 25741868, with internal and published modifications).

NM_000338.3(SLC12A1):c.445G>A (p.Ala149Thr)

Gene: SLC12A1 (solute carrier family 12 member 1; plus strand). Cytogenetic location: 15q21.1.
Variant type: single nucleotide variant.
Coding change: c.445G>A on transcript NM_000338.3 (MANE Select); coding-DNA position 445, G replaced by A.
Protein change: p.Ala149Thr; replaces alanine 149 with threonine.
Molecular consequence: missense variant.
Genome position (GRCh38, 1-based): chr15:48,220,658, G>A. VCF-style: chr15-48220658-G-A. GRCh37 (hg19) VCF-style: chr15-48512855-G-A.
Other names: c.445G>A, p.Ala149Thr (NM_001184832.2); short protein forms A149T.
Identifiers: ClinVar variation 316255 (VCV000316255.13), dbSNP rs116848967, ClinGen allele CA7546762.